The following is an entry in ClinVar:

ClinVar aggregate classification (germline): Uncertain significance (1 of 4 stars; one submission).

Allele frequency attached by ClinVar (database versions not stated): gnomAD 0.00001; ExAC 0.00002; TOPMed 0.00003.
gnomAD v4.1: 18 of 1,613,818 alleles (0.0011%); highest among the groups gnomAD compares: Middle Eastern, 0.016%; no homozygotes.

Submission:

Labcorp Genetics (formerly Invitae), Labcorp
Classification: Uncertain significance. Last evaluated: 2022-07-15. Review status: criteria provided, single submitter. Criteria: Invitae Variant Classification Sherloc (09022015). Collection method: clinical testing. Allele origin: germline.
Comment: This variant is present in population databases (rs780279572, gnomAD 0.007%). This sequence change replaces arginine, which is basic and polar, with histidine, which is basic and polar, at codon 2523 of the HSPG2 protein (p.Arg2523His). This variant has not been reported in the literature in individuals affected with HSPG2-related conditions. In summary, the available evidence is currently insufficient to determine the role of this variant in disease. Therefore, it has been classified as a Variant of Uncertain Significance. Algorithms developed to predict the effect of missense changes on protein structure and function output the following: SIFT: "Tolerated"; PolyPhen-2: "Benign"; Align-GVGD: "Class C0". The histidine amino acid residue is found in multiple mammalian species, which suggests that this missense change does not adversely affect protein function.

NM_005529.7(HSPG2):c.7568G>A (p.Arg2523His)

Gene: HSPG2 (heparan sulfate proteoglycan 2; minus strand). Cytogenetic location: 1p36.12.
Variant type: single nucleotide variant.
Coding change: c.7568G>A on transcript NM_005529.7 (MANE Select); coding-DNA position 7568, G replaced by A.
Protein change: p.Arg2523His; replaces arginine 2523 with histidine.
Molecular consequence: missense variant.
Genome position (GRCh38, 1-based): chr1:21,848,910, C>T on the plus strand (G>A on the coding strand, the complement: HSPG2 is on the minus strand). VCF-style: chr1-21848910-C-T. GRCh37 (hg19) VCF-style: chr1-22175403-C-T.
Other names: c.7571G>A, p.Arg2524His (NM_001291860.2); short protein forms R2524H, R2523H.
Identifiers: ClinVar variation 1935932 (VCV001935932.5), dbSNP rs780279572, ClinGen allele CA671138.